The following is an entry in ClinVar:

ClinVar aggregate classification (germline): Uncertain significance. Review status: criteria provided, multiple submitters, no conflicts (2 of 4 stars). 2 submissions from 2 submitters: Uncertain significance (2). Last evaluated 2023-02-08.

Conditions:
Nephronophthisis. Also called: Juvenile Nephronophthisis. Identifiers: Orphanet 655, MedGen C0687120, MONDO:0019005, HP:0000090.
Inborn genetic diseases. Identifiers: MedGen C0950123, MeSH D030342.

Allele frequency attached by ClinVar (database versions not stated): gnomAD exomes 0.00001 and 0.00005; ExAC 0.00006.
gnomAD v4.1: 16 of 1,560,020 alleles (0.001%); highest among the groups gnomAD compares: Admixed American, 0.025%; no homozygotes.

Submissions (2):

Ambry Genetics
Classification: Uncertain significance for Inborn genetic diseases. Last evaluated: 2023-02-08. Review status: criteria provided, single submitter. Criteria: Ambry Variant Classification Scheme 2023. Collection method: clinical testing. Allele origin: germline.

Labcorp Genetics (formerly Invitae), Labcorp
Classification: Uncertain significance for Nephronophthisis. Last evaluated: 2021-09-24. Review status: criteria provided, single submitter. Criteria: Invitae Variant Classification Sherloc (09022015). Collection method: clinical testing. Allele origin: germline.
Comment: This sequence change replaces histidine with arginine at codon 267 of the INVS protein (p.His267Arg). The histidine residue is highly conserved and there is a small physicochemical difference between histidine and arginine. This variant is present in population databases (rs747248321, ExAC 0.06%). This variant has not been reported in the literature in individuals with INVS-related conditions. Algorithms developed to predict the effect of missense changes on protein structure and function are either unavailable or do not agree on the potential impact of this missense change (SIFT: "Deleterious"; PolyPhen-2: "Possibly Damaging"; Align-GVGD: "Class C0"). In summary, the available evidence is currently insufficient to determine the role of this variant in disease. Therefore, it has been classified as a Variant of Uncertain Significance.

NM_014425.5(INVS):c.800A>G (p.His267Arg)

Gene: INVS (inversin; plus strand). Cytogenetic location: 9q31.1.
Variant type: single nucleotide variant.
Coding change: c.800A>G on transcript NM_014425.5 (MANE Select); coding-DNA position 800, A replaced by G.
Protein change: p.His267Arg; replaces histidine 267 with arginine.
Molecular consequence: missense variant. On other transcripts: 5 prime UTR variant (1), non-coding transcript variant (1).
Genome position (GRCh38, 1-based): chr9:100,242,573, A>G. VCF-style: chr9-100242573-A-G. GRCh37 (hg19) VCF-style: chr9-103004855-A-G.
Other names: c.512A>G, p.His171Arg (NM_001318381.2); c.-190A>G (NM_001318382.2); c.800A>G (NM_014425.2); short protein forms H267R, H171R.
Identifiers: ClinVar variation 1390101 (VCV001390101.6), dbSNP rs747248321, ClinGen allele CA5158254.